The following is an entry in ClinVar:

NM_001099403.2(PRDM8):c.740C>G (p.Ser247Cys)

Gene: PRDM8 (PR/SET domain 8; plus strand). Cytogenetic location: 4q21.21.
Variant type: single nucleotide variant.
Coding change: c.740C>G on transcript NM_001099403.2 (MANE Select); coding-DNA position 740, C replaced by G.
Protein change: p.Ser247Cys; replaces serine 247 with cysteine.
Molecular consequence: missense variant.
Genome position (GRCh38, 1-based): chr4:80,202,202, C>G. VCF-style: chr4-80202202-C-G. GRCh37 (hg19) VCF-style: chr4-81123356-C-G.
Other names: c.740C>G, p.Ser247Cys (NM_020226.4); short protein forms S247C.
Identifiers: ClinVar variation 955287 (VCV000955287.9), dbSNP rs781560136, ClinGen allele CA357395125.

ClinVar aggregate classification (germline): Uncertain significance (1 of 4 stars; one submission).

Conditions:
Early-onset Lafora body disease. Also called: Epilepsy, progressive myoclonic, 10. Identifiers: Orphanet 324290, MedGen C4225258, MONDO:0014717, OMIM 616640.

Submission:

Labcorp Genetics (formerly Invitae), Labcorp
Classification: Uncertain significance for Early-onset Lafora body disease. Last evaluated: 2019-10-06. Review status: criteria provided, single submitter. Criteria: Invitae Variant Classification Sherloc (09022015). Collection method: clinical testing. Allele origin: germline.
Comment: This sequence change replaces serine with cysteine at codon 247 of the PRDM8 protein (p.Ser247Cys). The serine residue is weakly conserved and there is a moderate physicochemical difference between serine and cysteine. In summary, the available evidence is currently insufficient to determine the role of this variant in disease. Therefore, it has been classified as a Variant of Uncertain Significance. Algorithms developed to predict the effect of missense changes on protein structure and function are either unavailable or do not agree on the potential impact of this missense change (SIFT: "Deleterious"; PolyPhen-2: "Benign"; Align-GVGD: "Class C0"). This variant has not been reported in the literature in individuals with PRDM8-related conditions. This variant is not present in population databases (ExAC no frequency).